The following is an entry in ClinVar:

NM_001286577.2(C2CD3):c.5882-332A>G

Gene: C2CD3 (C2 domain containing 3 centriole elongation regulator; minus strand). Cytogenetic location: 11q13.4.
Variant type: single nucleotide variant.
Coding change: c.5882-332A>G on transcript NM_001286577.2 (MANE Select); 332 bases into the intron before coding-DNA position 5882, A replaced by G.
Molecular consequence: intron variant. On other transcripts: splice acceptor variant (1).
Genome position (GRCh38, 1-based): chr11:74,034,610, T>C on the plus strand (A>G on the coding strand, the complement: C2CD3 is on the minus strand). VCF-style: chr11-74034610-T-C. GRCh37 (hg19) VCF-style: chr11-73745655-T-C.
Other names: c.5882-2A>G (NM_015531.6).
Identifiers: ClinVar variation 1194018 (VCV001194018.9), dbSNP rs200146492, ClinGen allele CA6181752.
Genomic context (GRCh38, chr11:74,034,610, plus strand): 5'-CGTTGGGAGCTGGGAGTCCTGGTGGGCATGTTCATGCTTCCAGTTACTTCAGTAACTACC[T>C]ATATTAAAAATCAAAATGAGAATCCACTTATTTACCTATTTGATGACAGTTATTAAAACT-3'

ClinVar aggregate classification (germline): Uncertain significance. Review status: criteria provided, multiple submitters, no conflicts (2 of 4 stars). 3 submissions from 3 submitters: Uncertain significance (3). Last evaluated 2023-11-10.

Conditions:
Orofaciodigital syndrome type 14. Also called: Orofaciodigital syndrome xiv. Identifiers: Orphanet 434179, MedGen C4706604, MONDO:0014413, OMIM 615948.

Allele frequency attached by ClinVar (database versions not stated): gnomAD exomes 0.00009; gnomAD 0.00011 and 0.00013; ESP Exome Variant Server 0.00015; ExAC 0.00029; 1000 Genomes Project 0.00040; 1000 Genomes Project 30x 0.00047.
gnomAD v4.1: 146 of 1,607,606 alleles (0.0091%); highest among the groups gnomAD compares: East Asian, 0.016%; no homozygotes.

Submissions (3):

Daryl Scott Lab, Baylor College of Medicine
Classification: Uncertain significance for Orofaciodigital syndrome type 14. Last evaluated: 2023-11-10. Review status: criteria provided, single submitter. Criteria: ACMG Guidelines, 2015. Collection method: clinical testing. Allele origin: biparental.

Labcorp Genetics (formerly Invitae), Labcorp
Classification: Uncertain significance. Last evaluated: 2022-07-17. Review status: criteria provided, single submitter. Criteria: Invitae Variant Classification Sherloc (09022015). Collection method: clinical testing. Allele origin: germline.
Comment: In summary, the available evidence is currently insufficient to determine the role of this variant in disease. Therefore, it has been classified as a Variant of Uncertain Significance. Variants that disrupt the consensus splice site are a relatively common cause of aberrant splicing (PMID: 17576681, 9536098). Algorithms developed to predict the effect of sequence changes on RNA splicing suggest that this variant may disrupt the consensus splice site. ClinVar contains an entry for this variant (Variation ID: 1194018). This variant has not been reported in the literature in individuals affected with C2CD3-related conditions. This variant is present in population databases (rs200146492, gnomAD 0.08%). This sequence change affects an acceptor splice site in intron 30 of the C2CD3 gene. While this variant is not anticipated to result in nonsense mediated decay, it likely alters RNA splicing and results in a disrupted protein product.

GeneDx
Classification: Uncertain significance. Last evaluated: 2022-06-24. Review status: criteria provided, single submitter. Criteria: GeneDx Variant Classification Process June 2021. Collection method: clinical testing. Allele origin: germline. Affected: yes.
Comment: Canonical splice site variant with an unclear effect on protein function; Has not been previously published as pathogenic or benign to our knowledge

Literature cited by the submitters: PubMed 17576681 (cited by Labcorp Genetics (formerly Invitae), Labcorp); PubMed 9536098 (cited by Labcorp Genetics (formerly Invitae), Labcorp).